The following is an entry in ClinVar:

ClinVar aggregate classification (germline): Pathogenic (1 of 4 stars; one submission).

Conditions:
Alstrom syndrome (ALMS). Identifiers: Orphanet 64, MedGen C0268425, MONDO:0008763, OMIM 203800.

Submission:

3billion
Classification: Pathogenic for Alstrom syndrome. Last evaluated: 2023-07-14. Review status: criteria provided, single submitter. Criteria: ACMG Guidelines, 2015. Collection method: clinical testing. Allele origin: germline. Affected: yes.
Comment: The variant is not observed in the gnomAD v2.1.1 dataset. Predicted Consequence/Location: Frameshift: predicted to result in a loss or disruption of normal protein function through nonsense-mediated decay (NMD) or protein truncation. Multiple pathogenic variants are reported downstream of the variant. Therefore, this variant is classified as Pathogenic according to the recommendation of ACMG/AMP guideline.

NM_001378454.1(ALMS1):c.3823del (p.Thr1275fs)

Gene: ALMS1 (ALMS1 centrosome and basal body associated protein; plus strand). Cytogenetic location: 2p13.1.
Variant type: Deletion.
Coding change: c.3823del on transcript NM_001378454.1 (MANE Select); coding-DNA position 3823, one base deleted (A; older notation c.3823delA).
Protein change: p.Thr1275fs; shifts the reading frame from threonine 1275.
Molecular consequence: frameshift variant.
Genome position (GRCh38, 1-based): chr2:73,450,350, A deleted. VCF-style (leftmost placement, unchanged base first): chr2-73450349-GA-G. GRCh37 (hg19) VCF-style: chr2-73677476-GA-G.
Other names: c.3826del, p.Thr1276fs (NM_015120.4); short protein forms T1275fs, T1276fs.
Identifiers: ClinVar variation 3775919 (VCV003775919.1).
Genomic context (GRCh38, chr2:73,450,349, plus strand): 5'-AGATAATCATCCAACTGAAGAGGCTCTGAAAATTTCAGTTGCCTCTGAACCAGTTGACCA[GA>G]CAACTGGCACACCAGCTGTAACCTCTACTTCCTACTCACAATATAGAGAGAAGCCCAGCA-3'